The following is an entry in ClinVar:

NM_005732.4(RAD50):c.3390A>G (p.Gln1130=)

Genes: RAD50 (RAD50 double strand break repair protein; plus strand), TH2-LCR (Th2 cytokine locus control region; plus strand), TH2LCRR (T helper type 2 locus control region associated RNA; minus strand). Cytogenetic location: 5q31.1.
Variant type: single nucleotide variant.
Coding change: c.3390A>G on transcript NM_005732.4 (MANE Select); coding-DNA position 3390, A replaced by G.
Protein change: p.Gln1130=; no amino-acid change (glutamine 1130 retained).
Molecular consequence: synonymous variant.
Genome position (GRCh38, 1-based): chr5:132,637,115, A>G. VCF-style: chr5-132637115-A-G. GRCh37 (hg19) VCF-style: chr5-131972807-A-G.
Other names: c.3390A>G (NM_005732.3).
Identifiers: ClinVar variation 1057120 (VCV001057120.10), dbSNP rs2149862704, ClinGen allele CA446351433.

ClinVar aggregate classification (germline): Conflicting classifications of pathogenicity. Review status: criteria provided, conflicting classifications (1 of 4 stars). 2 submissions from 2 submitters: Uncertain significance (1); Likely benign (1). Last evaluated 2025-02-16.

Conditions:
Hereditary cancer-predisposing syndrome. Also called: Hereditary Cancer Syndrome; Tumor predisposition; Hereditary neoplastic syndrome; Neoplastic Syndromes, Hereditary. Identifiers: Orphanet 140162, MedGen C0027672, MeSH D009386, MONDO:0015356.

Submissions (2):

Ambry Genetics
Classification: Likely benign for Hereditary cancer-predisposing syndrome. Last evaluated: 2025-02-16. Review status: criteria provided, single submitter. Criteria: Ambry Variant Classification Scheme 2023. Collection method: clinical testing. Allele origin: germline.

Labcorp Genetics (formerly Invitae), Labcorp
Classification: Uncertain significance for Hereditary cancer-predisposing syndrome. Last evaluated: 2020-07-23. Review status: criteria provided, single submitter. Criteria: Invitae Variant Classification Sherloc (09022015). Collection method: clinical testing. Allele origin: germline.
Comment: This variant has not been reported in the literature in individuals with RAD50-related conditions. This variant is not present in population databases (ExAC no frequency). This sequence change affects codon 1130 of the RAD50 mRNA. It is a 'silent' change, meaning that it does not change the encoded amino acid sequence of the RAD50 protein. Algorithms developed to predict the effect of sequence changes on RNA splicing suggest that this variant is not likely to affect RNA splicing, but this prediction has not been confirmed by published transcriptional studies. In summary, the available evidence is currently insufficient to determine the role of this variant in disease. Therefore, it has been classified as a Variant of Uncertain Significance.